The following is an entry in ClinVar:

ClinVar aggregate classification (germline): Uncertain significance (1 of 4 stars; one submission).

Submission:

Labcorp Genetics (formerly Invitae), Labcorp
Classification: Uncertain significance. Last evaluated: 2024-01-06. Review status: criteria provided, single submitter. Criteria: Invitae Variant Classification Sherloc (09022015). Collection method: clinical testing. Allele origin: germline.
Comment: This sequence change replaces isoleucine, which is neutral and non-polar, with serine, which is neutral and polar, at codon 286 of the HNF4A protein (p.Ile286Ser). This variant is not present in population databases (gnomAD no frequency). This variant has not been reported in the literature in individuals affected with HNF4A-related conditions. Advanced modeling of protein sequence and biophysical properties (such as structural, functional, and spatial information, amino acid conservation, physicochemical variation, residue mobility, and thermodynamic stability) has been performed at Invitae for this missense variant, however the output from this modeling did not meet the statistical confidence thresholds required to predict the impact of this variant on HNF4A protein function. In summary, the available evidence is currently insufficient to determine the role of this variant in disease. Therefore, it has been classified as a Variant of Uncertain Significance.

NM_175914.5(HNF4A):c.857T>G (p.Ile286Ser)

Gene: HNF4A (hepatocyte nuclear factor 4 alpha; plus strand). Cytogenetic location: 20q13.12.
Variant type: single nucleotide variant.
Coding change: c.857T>G on transcript NM_175914.5 (MANE Select); coding-DNA position 857, T replaced by G.
Protein change: p.Ile286Ser; replaces isoleucine 286 with serine.
Molecular consequence: missense variant.
Genome position (GRCh38, 1-based): chr20:44,424,048, T>G. VCF-style: chr20-44424048-T-G. GRCh37 (hg19) VCF-style: chr20-43052688-T-G.
Other names: c.923T>G, p.Ile308Ser (NM_000457.6, NM_178849.3, NM_178850.3); c.857T>G, p.Ile286Ser (NM_001030003.3, NM_001030004.3); c.902T>G, p.Ile301Ser (NM_001258355.2); c.848T>G, p.Ile283Ser (NM_001287182.2, NM_001287183.2, NM_001287184.2); short protein forms I286S, I308S, I283S, I301S.
Identifiers: ClinVar variation 2707927 (VCV002707927.3), dbSNP rs2146467750, ClinGen allele CA409108053.
Genomic context (GRCh38, chr20:44,424,048, plus strand): 5'-CCCTCCCTTGCCCACCCTCTTCCATTGTAGATGCCAAGGGGCTGAGCGATCCAGGGAAGA[T>G]CAAGCGGCTGCGTTCCCAGGTGCAGGTGAGCTTGGAGGACTACATCAACGACCGCCAGTA-3'
Protein context (NP_787110.2, residues 276-296): DAKGLSDPGK[Ile286Ser]KRLRSQVQVS